The following is an entry in ClinVar:

ClinVar aggregate classification (germline): Conflicting classifications of pathogenicity. Review status: criteria provided, conflicting classifications (1 of 4 stars). 2 submissions from 2 submitters: Uncertain significance (1); Likely benign (1). Last evaluated 2025-06-06.

Conditions:
Charcot-Marie-Tooth disease type 2. Also called: Charcot-Marie-Tooth type 2. Identifiers: Orphanet 64746, MedGen C0270914, MONDO:0018993.

Allele frequency attached by ClinVar (database versions not stated): gnomAD exomes below 0.00001; TOPMed below 0.00001; ExAC 0.00001.
gnomAD v4.1: 23 of 1,613,594 alleles (0.0014%); highest among the groups gnomAD compares: Non-Finnish European, 0.0019%; no homozygotes.

Submissions (2):

Labcorp Genetics (formerly Invitae), Labcorp
Classification: Uncertain significance for Charcot-Marie-Tooth disease type 2. Last evaluated: 2025-06-06. Review status: criteria provided, single submitter. Criteria: Invitae Variant Classification Sherloc (09022015). Collection method: clinical testing. Allele origin: germline.
Comment: This sequence change falls in intron 3 of the MFN2 gene. It does not directly change the encoded amino acid sequence of the MFN2 protein. It affects a nucleotide within the consensus splice site. This variant is present in population databases (rs762489839, gnomAD 0.0009%). This variant has not been reported in the literature in individuals affected with MFN2-related conditions. ClinVar contains an entry for this variant (Variation ID: 1044722). Variants that disrupt the consensus splice site are a relatively common cause of aberrant splicing (PMID: 17576681, 9536098). Algorithms developed to predict the effect of sequence changes on RNA splicing suggest that this variant is not likely to affect RNA splicing. In summary, the available evidence is currently insufficient to determine the role of this variant in disease. Therefore, it has been classified as a Variant of Uncertain Significance.

Blueprint Genetics
Classification: Likely benign. Last evaluated: 2019-10-25. Review status: criteria provided, single submitter. Criteria: ACMG Guidelines, 2015. Collection method: clinical testing. Allele origin: germline.

Literature cited by the submitters: PubMed 17576681 (cited by Labcorp Genetics (formerly Invitae), Labcorp); PubMed 9536098 (cited by Labcorp Genetics (formerly Invitae), Labcorp).

NM_014874.4(MFN2):c.175+6G>T

Gene: MFN2 (mitofusin 2; plus strand). Cytogenetic location: 1p36.22.
Variant type: single nucleotide variant.
Coding change: c.175+6G>T on transcript NM_014874.4 (MANE Select); 6 bases into the intron after coding-DNA position 175, G replaced by T.
Molecular consequence: intron variant.
Genome position (GRCh38, 1-based): chr1:11,989,349, G>T. VCF-style: chr1-11989349-G-T. GRCh37 (hg19) VCF-style: chr1-12049406-G-T.
Other names: c.175+6G>T (NM_001127660.2).
Identifiers: ClinVar variation 1044722 (VCV001044722.9), dbSNP rs762489839, ClinGen allele CA598752.